The following is an entry in ClinVar:

ClinVar aggregate classification (germline): Uncertain significance (1 of 4 stars; one submission).

gnomAD v4.1: 10 of 1,613,544 alleles (0.00062%); highest among the groups gnomAD compares: South Asian, 0.0011%; no homozygotes.

Submission:

Labcorp Genetics (formerly Invitae), Labcorp
Classification: Uncertain significance. Last evaluated: 2024-03-21. Review status: criteria provided, single submitter. Criteria: Invitae Variant Classification Sherloc (09022015). Collection method: clinical testing. Allele origin: germline.
Comment: This sequence change replaces tyrosine, which is neutral and polar, with cysteine, which is neutral and slightly polar, at codon 1043 of the SUCO protein (p.Tyr1043Cys). This variant is present in population databases (no rsID available, gnomAD 0.002%). This variant has not been reported in the literature in individuals affected with SUCO-related conditions. An algorithm developed to predict the effect of missense changes on protein structure and function (PolyPhen-2) suggests that this variant is likely to be disruptive. In summary, the available evidence is currently insufficient to determine the role of this variant in disease. Therefore, it has been classified as a Variant of Uncertain Significance.

NM_014283.5(SUCO):c.3128A>G (p.Tyr1043Cys)

Gene: SUCO (SUN domain containing ossification factor; plus strand). Cytogenetic location: 1q24.3.
Variant type: single nucleotide variant.
Coding change: c.3128A>G on transcript NM_014283.5 (MANE Select); coding-DNA position 3128, A replaced by G.
Protein change: p.Tyr1043Cys; replaces tyrosine 1043 with cysteine.
Molecular consequence: missense variant.
Genome position (GRCh38, 1-based): chr1:172,602,173, A>G. VCF-style: chr1-172602173-A-G. GRCh37 (hg19) VCF-style: chr1-172571313-A-G.
Other names: c.2015A>G, p.Tyr672Cys (NM_001282750.2); c.1439A>G, p.Tyr480Cys (NM_001282751.2); c.3581A>G, p.Tyr1194Cys (NM_016227.4); short protein forms Y1194C, Y672C, Y1043C, Y480C.
Identifiers: ClinVar variation 3641623 (VCV003641623.2).